The following is an entry in ClinVar:

ClinVar aggregate classification (germline): Likely benign. Review status: criteria provided, multiple submitters, no conflicts (2 of 4 stars). 2 submissions from 2 submitters: Likely benign (2). Last evaluated 2024-12-11.

Conditions:
Multiple endocrine neoplasia, type 2 (MEN2). Identifiers: Orphanet 653, MedGen C4048306, MONDO:0019003. Disease mechanism: gain of function.

Submissions (2):

Women's Health and Genetics/Laboratory Corporation of America, LabCorp
Classification: Likely benign. Last evaluated: 2024-12-11. Review status: criteria provided, single submitter. Criteria: LabCorp Variant Classification Summary - May 2015. Collection method: clinical testing. Allele origin: germline.
Comment: Variant summary: RET c.675G>C results in a synonymous change. Consensus agreement among computation tools predict no significant impact on normal splicing (TrAP). However, these predictions have yet to be confirmed by functional studies. The frequency data for this variant in gnomAD is considered unreliable, as metrics indicate poor data quality at this position. To our knowledge, no occurrence of c.675G>C in individuals affected with Hirschsprung Disease and no experimental evidence demonstrating its impact on protein function have been reported. ClinVar contains an entry for this variant (Variation ID: 1108075). Based on the evidence outlined above, the variant was classified as likely benign.

Labcorp Genetics (formerly Invitae), Labcorp
Classification: Likely benign for Multiple endocrine neoplasia, type 2. Last evaluated: 2019-11-30. Review status: criteria provided, single submitter. Criteria: Invitae Variant Classification Sherloc (09022015). Collection method: clinical testing. Allele origin: germline.

Literature cited by the submitters: PubMed 9094027 (cited by Women's Health and Genetics/Laboratory Corporation of America, LabCorp).

NM_020975.6(RET):c.675G>C (p.Thr225=)

Gene: RET (ret proto-oncogene; plus strand). Cytogenetic location: 10q11.21.
Variant type: single nucleotide variant.
Coding change: c.675G>C on transcript NM_020975.6 (MANE Select); coding-DNA position 675, G replaced by C.
Protein change: p.Thr225=; no amino-acid change (threonine 225 retained).
Molecular consequence: synonymous variant. On other transcripts: 5 prime UTR variant (1), intron variant (22).
Genome position (GRCh38, 1-based): chr10:43,105,001, G>C. VCF-style: chr10-43105001-G-C. GRCh37 (hg19) VCF-style: chr10-43600449-G-C.
Other names: c.675G>C, p.Thr225= (NM_000323.2, NM_001406743.1, NM_001406744.1 and 8 more transcripts); c.-88G>C (NM_001355216.2); c.546G>C, p.Thr182= (NM_001406761.1, NM_001406762.1, NM_001406764.1 and 2 more transcripts); c.387G>C, p.Thr129= (NM_001406766.1, NM_001406767.1, NM_001406770.1); c.625+2372G>C (NM_001406773.1, NM_001406771.1, NM_001406782.1 and 5 more transcripts); c.496+2372G>C (NM_001406786.1, NM_001406783.1); c.338-4030G>C (NM_001406778.1, NM_001406775.1, NM_001406776.1 and 1 more transcripts); c.337+4279G>C (NM_001406790.1, NM_001406788.1, NM_001406789.1 and 1 more transcripts); and 2 more.
Identifiers: ClinVar variation 1108075 (VCV001108075.11), dbSNP rs1837730338, ClinGen allele CA469021507.